The following is an entry in ClinVar:

ClinVar aggregate classification (germline): Uncertain significance (1 of 4 stars; one submission).

Conditions:
Long QT syndrome (LQTS). Identifiers: MedGen C0023976, MeSH D008133, MONDO:0002442. Disease mechanism: loss of function. Inheritance: Various modes of inheritance.

Allele frequency attached by ClinVar (database versions not stated): gnomAD 0.00001; TOPMed 0.00001.
gnomAD v4.1: 18 of 1,614,042 alleles (0.0011%); highest among the groups gnomAD compares: Non-Finnish European, 0.0014%; no homozygotes.

Submission:

Labcorp Genetics (formerly Invitae), Labcorp
Classification: Uncertain significance for Long QT syndrome. Last evaluated: 2020-08-29. Review status: criteria provided, single submitter. Criteria: Invitae Variant Classification Sherloc (09022015). Collection method: clinical testing. Allele origin: germline.
Comment: In summary, the available evidence is currently insufficient to determine the role of this variant in disease. Therefore, it has been classified as a Variant of Uncertain Significance. Algorithms developed to predict the effect of missense changes on protein structure and function are either unavailable or do not agree on the potential impact of this missense change (SIFT: "Tolerated"; PolyPhen-2: "Probably Damaging"; Align-GVGD: "Class C0"). This variant has not been reported in the literature in individuals with ANK2-related conditions. This variant is not present in population databases (ExAC no frequency). This sequence change replaces proline with histidine at codon 1883 of the ANK2 protein (p.Pro1883His). The proline residue is weakly conserved and there is a moderate physicochemical difference between proline and histidine.

NM_001148.6(ANK2):c.5648C>A (p.Pro1883His)

Genes: ANK2 (ankyrin 2; plus strand), LOC126807136 (MED14-independent group 3 enhancer GRCh37_chr4:114274931-114276130; plus strand). Cytogenetic location: 4q26.
Variant type: single nucleotide variant.
Coding change: c.5648C>A on transcript NM_001148.6 (MANE Select); coding-DNA position 5648, C replaced by A.
Protein change: p.Pro1883His; replaces proline 1883 with histidine.
Molecular consequence: missense variant. On other transcripts: intron variant (68).
Genome position (GRCh38, 1-based): chr4:113,354,266, C>A. VCF-style: chr4-113354266-C-A. GRCh37 (hg19) VCF-style: chr4-114275422-C-A.
Other names: c.5414C>A, p.Pro1805His (NM_001386142.1); c.2048C>A, p.Pro683His (NM_001386166.1); c.5789C>A, p.Pro1930His (NM_001386174.1); c.5765C>A, p.Pro1922His (NM_001386175.1); c.4411+4017C>A (NM_001386186.2, NM_001386148.2); c.4213+4017C>A (NM_001354269.3); c.4291+4017C>A (NM_001386187.2); c.4252+4017C>A (NM_001386147.1); and 35 more; short protein forms P1805H, P1883H, P1922H, P1930H, P683H.
Identifiers: ClinVar variation 1012072 (VCV001012072.5), dbSNP rs1182264095, ClinGen allele CA357920707.